The following is an entry in ClinVar:

NM_002693.3(POLG):c.1789C>G (p.Arg597Gly)

Gene: POLG (DNA polymerase gamma, catalytic subunit; minus strand). Cytogenetic location: 15q26.1.
Variant type: single nucleotide variant.
Coding change: c.1789C>G on transcript NM_002693.3 (MANE Select); coding-DNA position 1789, C replaced by G.
Protein change: p.Arg597Gly; replaces arginine 597 with glycine.
Molecular consequence: missense variant.
Genome position (GRCh38, 1-based): chr15:89,325,610, G>C on the plus strand (C>G on the coding strand, the complement: POLG is on the minus strand). VCF-style: chr15-89325610-G-C. GRCh37 (hg19) VCF-style: chr15-89868841-G-C.
Other names: c.1789C>G, p.Arg597Gly (NM_001126131.2); short protein forms R597G.
Identifiers: ClinVar variation 619410 (VCV000619410.7), dbSNP rs139717885, ClinGen allele CA10602203.
Genomic context (GRCh38, chr15:89,325,610, plus strand): 5'-GCTCTGAGTAGTGCAGAGGGAAGCCATCCCAGGTAAGTGCCATGAGTTTAGGTGTGACCC[G>C]CATCTGCAGGCTGAGGAGGCTGGGGCCCGGGGTCCATGCAGGGTCGTCTAGCCGGGGGCA-3'
Protein context (NP_002684.1, residues 587-607): PGPSLLSLQM[Arg597Gly]VTPKLMALTW

ClinVar aggregate classification (germline): Likely pathogenic. Review status: criteria provided, multiple submitters, no conflicts (2 of 4 stars). 2 submissions from 2 submitters: Likely pathogenic (2). Last evaluated 2025-07-30.

Conditions:
Progressive sclerosing poliodystrophy (MTDPS4A). Also called: Alpers-Huttenlocher Syndrome (AHS); Alpers Syndrome; ALPERS PROGRESSIVE INFANTILE POLIODYSTROPHY; Mitochondrial DNA depletion syndrome 4A (Alpers type); ALPERS DIFFUSE DEGENERATION OF CEREBRAL GRAY MATTER WITH HEPATIC CIRRHOSIS; Alpers-Huttenlocher Syndrome. Identifiers: Orphanet 726, MedGen C0205710, MONDO:0008758, OMIM 203700.

gnomAD v4.1: 2 of 1,613,526 alleles (0.00012%); highest among the groups gnomAD compares: Non-Finnish European, 0.00017%; no homozygotes.

Submissions (2):

Labcorp Genetics (formerly Invitae), Labcorp
Classification: Likely pathogenic for Progressive sclerosing poliodystrophy. Last evaluated: 2025-07-30. Review status: criteria provided, single submitter. Criteria: Invitae Variant Classification Sherloc (09022015). Collection method: clinical testing. Allele origin: germline.
Comment: This sequence change replaces arginine, which is basic and polar, with glycine, which is neutral and non-polar, at codon 597 of the POLG protein (p.Arg597Gly). This variant is not present in population databases (gnomAD no frequency). This variant has not been reported in the literature in individuals affected with POLG-related conditions. ClinVar contains an entry for this variant (Variation ID: 619410). Invitae Evidence Modeling of protein sequence and biophysical properties (such as structural, functional, and spatial information, amino acid conservation, physicochemical variation, residue mobility, and thermodynamic stability) indicates that this missense variant is expected to disrupt POLG protein function with a positive predictive value of 95%. This variant disrupts the p.Arg597 amino acid residue in POLG. Other variant(s) that disrupt this residue have been determined to be pathogenic (PMID: 19251978, 20138553, 21880868, 27538604). This suggests that this residue is clinically significant, and that variants that disrupt this residue are likely to be disease-causing. In summary, the currently available evidence indicates that the variant is pathogenic, but additional data are needed to prove that conclusively. Therefore, this variant has been classified as Likely Pathogenic.

Wong Mito Lab, Molecular and Human Genetics, Baylor College of Medicine
Classification: Likely pathogenic for Progressive sclerosing poliodystrophy. Last evaluated: 2018-10-01. Review status: criteria provided, single submitter. Criteria: ACMG Guidelines, 2015. Collection method: clinical testing. Allele origin: germline.
Comment: The NM_002693.2:c.1789C>G (NP_002684.1:p.Arg597Gly) [GRCH38: NC_000015.10:g.89325610G>C] variant in POLG gene is interpretated to be a Pathogenic based on ACMG guidelines (PMID: 25741868). This variant meets the following evidence codes reported in the ACMG-guideline. PS1:This variation causes same amino-acid change as an established pathogenic variant. PM2:This variant is absent in key population databases. PM3:Detected in trans with a pathogenic variant for Mitochondrial DNA depletion syndrome 4A (Alpers type) which is a recessive disorder. PP1:This variant is co-segregated with Mitochondrial DNA depletion syndrome 4A (Alpers type) in multiple affected family members. PP2:This is a missense variant in POLG with a low rate of benign and high rate of pathogenic missense variations. PP3:Computational evidence/predictors indicate the variant has deleterious effect on POLG structure, function, or protein-protein interaction. PP4:Patient's phenotype or family history is highly specific for POLG. Based on the evidence criteria codes applied, the variant is suggested to be Pathogenic.

Literature cited by the submitters: PubMed 19251978 (cited by Labcorp Genetics (formerly Invitae), Labcorp); PubMed 20138553 (cited by Labcorp Genetics (formerly Invitae), Labcorp); PubMed 21880868 (cited by Labcorp Genetics (formerly Invitae), Labcorp); PubMed 27538604 (cited by Labcorp Genetics (formerly Invitae), Labcorp).